The following is an entry in ClinVar:

ClinVar aggregate classification (germline): Benign. Review status: criteria provided, multiple submitters, no conflicts (2 of 4 stars). 2 submissions from 2 submitters: Benign (2). Last evaluated 2018-06-15.

Allele frequency attached by ClinVar (database versions not stated): 1000 Genomes Project 0.20088; 1000 Genomes Project 30x 0.20628; TOPMed 0.22913.
gnomAD v4.1: 33,271 of 152,200 alleles (22%); highest among the groups gnomAD compares: African/African-American, 37%; 4,523 homozygotes.

Submissions (2):

GeneDx
Classification: Benign. Last evaluated: 2018-06-15. Review status: criteria provided, single submitter. Criteria: GeneDx Variant Classification (06012015). Collection method: clinical testing. Allele origin: germline. Affected: yes.
Comment: This variant is considered likely benign or benign based on one or more of the following criteria: it is a conservative change, it occurs at a poorly conserved position in the protein, it is predicted to be benign by multiple in silico algorithms, and/or has population frequency not consistent with disease.

Breakthrough Genomics
Classification: Benign. Review status: criteria provided, single submitter. Criteria: ACMG Guidelines, 2015. Collection method: not provided. Allele origin: germline. Inheritance: Autosomal recessive inheritance. Affected: yes.

NM_006440.5(TXNRD2):c.663-206C>T

Gene: TXNRD2 (thioredoxin reductase 2; minus strand). Cytogenetic location: 22q11.21.
Variant type: single nucleotide variant.
Coding change: c.663-206C>T on transcript NM_006440.5 (MANE Select); 206 bases into the intron before coding-DNA position 663, C replaced by T.
Molecular consequence: intron variant.
Genome position (GRCh38, 1-based): chr22:19,899,274, G>A on the plus strand (C>T on the coding strand, the complement: TXNRD2 is on the minus strand). VCF-style: chr22-19899274-G-A. GRCh37 (hg19) VCF-style: chr22-19886797-G-A.
Other names: c.660-206C>T (NM_001352300.2); c.375-206C>T (NM_001352302.2); c.573-206C>T (NM_001352301.2); c.663-206C>T (NM_001282512.3); c.567-206C>T (NM_001352303.2).
Identifiers: ClinVar variation 678646 (VCV000678646.2), dbSNP rs8142006, ClinGen allele CA14955704.
Genomic context (GRCh38, chr22:19,899,274, plus strand): 5'-GACAAAGCCCACTTTCCAAGGCTACACTGTCAAGCATGTTGTGAATCAGCAAATCGCCTG[G>A]TGGTGAAGGGCGTGTGTGTCAGTGACAAGTGGTACCTGTCCCCTGGAAGGCACCCGGAGG-3'